The following is an entry in ClinVar:

NM_001374259.2(IL12RB2):c.1934A>T (p.Tyr645Phe)

Gene: IL12RB2 (interleukin 12 receptor subunit beta 2; plus strand). Cytogenetic location: 1p31.3.
Variant type: single nucleotide variant.
Coding change: c.1934A>T on transcript NM_001374259.2 (MANE Select); coding-DNA position 1934, A replaced by T.
Protein change: p.Tyr645Phe; replaces tyrosine 645 with phenylalanine.
Molecular consequence: missense variant. On other transcripts: non-coding transcript variant (1), intron variant (1).
Genome position (GRCh38, 1-based): chr1:67,386,657, A>T. VCF-style: chr1-67386657-A-T. GRCh37 (hg19) VCF-style: chr1-67852340-A-T.
Other names: c.1934A>T, p.Tyr645Phe (NM_001258214.1, NM_001319233.1, NM_001559.3); c.1676A>T, p.Tyr559Phe (NM_001258215.1); c.1855+6534A>T (NM_001258216.1); short protein forms Y559F, Y645F.
Identifiers: ClinVar variation 4767882 (VCV004767882.1).
Genomic context (GRCh38, chr1:67,386,657, plus strand): 5'-CGTTTGTGGCACCAAGCATTTGCATTGCTATCATCATGGTGGGCATTTTCTCAACGCATT[A>T]CTTCCAGCAAAAGTGAGTTGGTTACACCTACCAAGTGGGTAAATGAGGCTTTTAAAAAAT-3'
Protein context (NP_001361188.1, residues 635-655): IIMVGIFSTH[Tyr645Phe]FQQKVFVLLA

ClinVar aggregate classification (germline): Uncertain significance (1 of 4 stars; one submission).

gnomAD v4.1: 1 of 1,608,202 alleles (0.000062%); no homozygotes.

Submission:

Labcorp Genetics (formerly Invitae), Labcorp
Classification: Uncertain significance. Last evaluated: 2025-03-13. Review status: criteria provided, single submitter. Criteria: Invitae Variant Classification Sherloc (09022015). Collection method: clinical testing. Allele origin: germline.
Comment: This sequence change replaces tyrosine, which is neutral and polar, with phenylalanine, which is neutral and non-polar, at codon 645 of the IL12RB2 protein (p.Tyr645Phe). This variant is not present in population databases (gnomAD no frequency). This variant has not been reported in the literature in individuals affected with IL12RB2-related conditions. An algorithm developed to predict the effect of missense changes on protein structure and function (PolyPhen-2) suggests that this variant is likely to be tolerated. In summary, the available evidence is currently insufficient to determine the role of this variant in disease. Therefore, it has been classified as a Variant of Uncertain Significance.